The following is an entry in ClinVar:

NM_014883.4(FAM13A):c.2361C>T (p.Ser787=)

Gene: FAM13A (family with sequence similarity 13 member A; minus strand). Cytogenetic location: 4q22.1.
Variant type: single nucleotide variant.
Coding change: c.2361C>T on transcript NM_014883.4 (MANE Select); coding-DNA position 2361, C replaced by T.
Protein change: p.Ser787=; no amino-acid change (serine 787 retained).
Molecular consequence: synonymous variant.
Genome position (GRCh38, 1-based): chr4:88,747,652, G>A on the plus strand (C>T on the coding strand, the complement: FAM13A is on the minus strand). VCF-style: chr4-88747652-G-A. GRCh37 (hg19) VCF-style: chr4-89668803-G-A.
Other names: c.1383C>T, p.Ser461= (NM_001015045.3, NM_001265579.2); c.1341C>T, p.Ser447= (NM_001265578.2); c.1299C>T, p.Ser433= (NM_001265580.2).
Identifiers: ClinVar variation 4822589 (VCV004822589.4).
Genomic context (GRCh38, chr4:88,747,652, plus strand): 5'-CAATGGCTTAGGGCTTAGCACTTCACAGAATGATCGCACCTTAATGTCCTCAGGGCGGCT[G>A]CTTTCCGCTCGCTTCTCCTGGAGCTTCCTCTGAATAGATTCCAATGTGGCTTCAACACTG-3'
Protein context (NP_055698.2, residues 777-797): QRKLQEKRAE[Ser787=]SRPEDIKDMT

ClinVar aggregate classification (germline): Uncertain significance (1 of 4 stars; one submission).

gnomAD v4.1: 3 of 1,614,042 alleles (0.00019%); highest among the groups gnomAD compares: Non-Finnish European, 0.00025%; no homozygotes.

Submission:

CeGaT Center for Human Genetics Tuebingen
Classification: Uncertain significance. Last evaluated: 2026-02-01. Review status: criteria provided, single submitter. Criteria: CeGaT Center For Human Genetics Tuebingen Variant Classification Criteria Version 2. Collection method: clinical testing. Allele origin: germline. Affected: yes. Observed: 1 variant allele.
Comment: FAM13A: PM2, BP4